The following is an entry in ClinVar:

ClinVar aggregate classification (germline): Uncertain significance (1 of 4 stars; one submission).

Conditions:
Hereditary cancer-predisposing syndrome. Also called: Neoplastic Syndromes, Hereditary; Tumor predisposition; Hereditary neoplastic syndrome; Hereditary Cancer Syndrome. Identifiers: Orphanet 140162, MedGen C0027672, MeSH D009386, MONDO:0015356.

gnomAD v4.1: 1 of 1,614,148 alleles (0.000062%); highest among the groups gnomAD compares: Non-Finnish European, 0.000085%; no homozygotes.

Submission:

Ambry Genetics
Classification: Uncertain significance for Hereditary cancer-predisposing syndrome. Last evaluated: 2026-07-02. Review status: criteria provided, single submitter. Criteria: Ambry Variant Classification Scheme 2023. Collection method: clinical testing. Allele origin: germline.
Comment: The p.T141S variant (also known as c.421A>T), located in coding exon 4 of the CDH1 gene, results from an A to T substitution at nucleotide position 421. The threonine at codon 141 is replaced by serine, an amino acid with similar properties. This amino acid position is conserved. In addition, this alteration is predicted to be tolerated by in silico analysis. Based on the available evidence, the clinical significance of this variant remains unclear.

NM_004360.5(CDH1):c.421A>T (p.Thr141Ser)

Gene: CDH1 (cadherin 1; plus strand). Cytogenetic location: 16q22.1.
Variant type: single nucleotide variant.
Coding change: c.421A>T on transcript NM_004360.5 (MANE Select); coding-DNA position 421, A replaced by T.
Protein change: p.Thr141Ser; replaces threonine 141 with serine.
Molecular consequence: missense variant. On other transcripts: 5 prime UTR variant (2).
Genome position (GRCh38, 1-based): chr16:68,808,457, A>T. VCF-style: chr16-68808457-A-T. GRCh37 (hg19) VCF-style: chr16-68842360-A-T.
Other names: c.421A>T, p.Thr141Ser (NM_001317184.2); c.-1195A>T (NM_001317185.2); c.-1399A>T (NM_001317186.2); short protein forms T141S.
Identifiers: ClinVar variation 5033888 (VCV005033888.1).